The following is an entry in ClinVar:

NM_000414.4(HSD17B4):c.280+5T>C

Gene: HSD17B4 (hydroxysteroid 17-beta dehydrogenase 4; plus strand). Cytogenetic location: 5q23.1.
Variant type: single nucleotide variant.
Coding change: c.280+5T>C on transcript NM_000414.4 (MANE Select); 5 bases into the intron after coding-DNA position 280, T replaced by C.
Molecular consequence: intron variant.
Genome position (GRCh38, 1-based): chr5:119,474,465, T>C. VCF-style: chr5-119474465-T-C. GRCh37 (hg19) VCF-style: chr5-118810160-T-C.
Other names: c.-132+5T>C (NM_001374503.1, NM_001374502.1, NM_001374501.1 and 1 more transcripts); c.355+5T>C (NM_001199291.3); c.-1+5T>C (NM_001374499.1); c.-259+5T>C (NM_001374500.1); c.208+5T>C (NM_001292027.2); c.280+5T>C (NM_001374498.1, NM_001374497.1); c.226+5T>C (NM_001199292.2).
Identifiers: ClinVar variation 1503719 (VCV001503719.6), dbSNP rs2126684592, ClinGen allele CA2573138645.
Genomic context (GRCh38, chr5:119,474,465, plus strand): 5'-AGTGGAAGAAGGAGAGAAGGTTGTGAAGACAGCCCTGGATGCTTTTGGAAGAATAGGTGA[T>C]GTTTCTTTGTGTTATGGCTCTTGTGGAGCAACTTCTACCTTCCTAATGAAATATTTTTAA-3'

ClinVar aggregate classification (germline): Uncertain significance (1 of 4 stars; one submission).

Conditions:
Bifunctional peroxisomal enzyme deficiency (DBIF). Also called: PBFE DEFICIENCY; D-bifunctional protein deficiency; DBP DEFICIENCY. Identifiers: Orphanet 300, MedGen C0342870, MONDO:0009855, OMIM 261515. Disease mechanism: loss of function.
Perrault syndrome. Also called: Gonadal dysgenesis with auditory dysfunction, autosomal recessive inheritance. Identifiers: Orphanet 2855, MedGen C0685838, MONDO:0017312.

Allele frequency attached by ClinVar (database versions not stated): gnomAD exomes below 0.00001.
gnomAD v4.1: 1 of 1,569,978 alleles (0.000064%); highest among the groups gnomAD compares: Non-Finnish European, 0.000088%; no homozygotes.

Submission:

Labcorp Genetics (formerly Invitae), Labcorp
Classification: Uncertain significance for Perrault syndrome; Bifunctional peroxisomal enzyme deficiency. Last evaluated: 2021-09-06. Review status: criteria provided, single submitter. Criteria: Invitae Variant Classification Sherloc (09022015). Collection method: clinical testing. Allele origin: germline.
Comment: This sequence change falls in intron 4 of the HSD17B4 gene. It does not directly change the encoded amino acid sequence of the HSD17B4 protein. It affects a nucleotide within the consensus splice site of the intron. This variant is not present in population databases (ExAC no frequency). This variant has not been reported in the literature in individuals affected with HSD17B4-related conditions. Variants that disrupt the consensus splice site are a relatively common cause of aberrant splicing (PMID: 17576681, 9536098). Algorithms developed to predict the effect of sequence changes on RNA splicing suggest that this variant is not likely to affect RNA splicing. In summary, the available evidence is currently insufficient to determine the role of this variant in disease. Therefore, it has been classified as a Variant of Uncertain Significance.

Literature cited by the submitters: PubMed 17576681; PubMed 9536098.